The following is an entry in ClinVar:

ClinVar aggregate classification (germline): Uncertain significance (1 of 4 stars; one submission).

Submission:

Laboratory for Molecular Medicine, Mass General Brigham Personalized Medicine
Classification: Uncertain significance. Last evaluated: 2015-02-03. Review status: criteria provided, single submitter. Criteria: LMM Criteria. Collection method: clinical testing. Allele origin: germline. Observed: 1 variant allele.
Comment: Variant classified as Uncertain Significance - Favor Pathogenic. The p.Trp263X v ariant in LDB3 has not been reported in individuals with cardiomyopathy or in la rge population studies. This nonsense variant leads to a premature termination c odon at position 263, which is predicted to lead to a truncated or absent protei n. Variants LDB3 are associated with DCM as well as myopathy and emerging data s uggests that loss of function variants may be mild in the heterozygous state but associated with severe presentation in the homozygous state (LMM unpublished da ta). In summary, while there is some suspicion for a pathogenic role, the clinic al significance of the p.Trp263X variant is uncertain.

Literature cited by the submitters: PubMed 19028670.

NM_007078.3(LDB3):c.789G>A (p.Trp263Ter)

Gene: LDB3 (LIM domain binding 3; plus strand). Cytogenetic location: 10q23.2.
Variant type: single nucleotide variant.
Coding change: c.789G>A on transcript NM_007078.3 (MANE Select); coding-DNA position 789, G replaced by A.
Protein change: p.Trp263Ter; replaces tryptophan 263 with a stop codon.
Molecular consequence: nonsense.
Genome position (GRCh38, 1-based): chr10:86,691,995, G>A. VCF-style: chr10-86691995-G-A. GRCh37 (hg19) VCF-style: chr10-88451752-G-A.
Other names: c.648G>A, p.Trp216Ter (NM_001080114.2, NM_001080116.1, NM_001368066.1 and 2 more transcripts); c.789G>A, p.Trp263Ter (NM_001080115.2, NM_001368063.1, NM_001368064.1 and 1 more transcripts); c.993G>A, p.Trp331Ter (NM_001171610.2, NM_001171611.2); short protein forms W216*, W263*, W331*.
Identifiers: ClinVar variation 228796 (VCV000228796.4), dbSNP rs876657847, ClinGen allele CA10576829.
Genomic context (GRCh38, chr10:86,691,995, plus strand): 5'-TCCCGTCTACCAGGCTGTGATTAAGAGCCAGAACAAGCCAGAAGATGAGGCTGACGAGTG[G>A]GCACGCCGTTCCTCCAACCTGCAGTCTCGCTCCTTCCGCATCCTGGCCCAGATGACGGGG-3'